The following is an entry in ClinVar:

ClinVar aggregate classification (germline): Likely benign. Review status: criteria provided, multiple submitters, no conflicts (2 of 4 stars). 3 submissions from 3 submitters: Likely benign (3). Last evaluated 2024-04-12.

Conditions:
Marfan syndrome (MFS). Also called: MARFAN SYNDROME, TYPE I; Marfan syndrome type 1; Marfan's syndrome; Marfan syndrome, classic; FBN1-Related Marfan Syndrome. Identifiers: Orphanet 284963, Orphanet 558, MedGen C0024796, MONDO:0007947, OMIM 154700.
Familial thoracic aortic aneurysm and aortic dissection (TAAD). Also called: Thoracic aortic aneurysms and dissections. Identifiers: Orphanet 91387, MedGen C4707243, MONDO:0019625.

Allele frequency attached by ClinVar (database versions not stated): gnomAD exomes below 0.00001.
gnomAD v4.1: 1 of 1,613,676 alleles (0.000062%); highest among the groups gnomAD compares: Non-Finnish European, 0.000085%; no homozygotes.

Submissions (3):

Ambry Genetics
Classification: Likely benign for Familial thoracic aortic aneurysm and aortic dissection. Last evaluated: 2024-04-12. Review status: criteria provided, single submitter. Criteria: Ambry Variant Classification Scheme 2023. Collection method: clinical testing. Allele origin: germline.

All of Us Research Program, National Institutes of Health
Classification: Likely benign for Marfan syndrome. Last evaluated: 2023-11-02. Review status: criteria provided, single submitter. Criteria: ACMG Guidelines, 2015. Collection method: clinical testing. Allele origin: germline. Inheritance: Autosomal dominant inheritance. Observed: 1 variant allele, 1 heterozygote.
Comment: This study involves interpretation of variants in research participants for the purpose of population health screening. Participant phenotype was not available at the time of variant classification. Additional details can be found in publication PMID: 35346344, PMCID: PMC8962531

Color Diagnostics, LLC DBA Color Health
Classification: Likely benign for Familial thoracic aortic aneurysm and aortic dissection. Last evaluated: 2023-10-11. Review status: criteria provided, single submitter. Criteria: ACMG Guidelines, 2015. Collection method: clinical testing. Allele origin: germline.

NM_000138.5(FBN1):c.5262C>A (p.Gly1754=)

Gene: FBN1 (fibrillin 1; minus strand). Cytogenetic location: 15q21.1.
Variant type: single nucleotide variant.
Coding change: c.5262C>A on transcript NM_000138.5 (MANE Select); coding-DNA position 5262, C replaced by A.
Protein change: p.Gly1754=; no amino-acid change (glycine 1754 retained).
Molecular consequence: synonymous variant.
Genome position (GRCh38, 1-based): chr15:48,460,280, G>T on the plus strand (C>A on the coding strand, the complement: FBN1 is on the minus strand). VCF-style: chr15-48460280-G-T. GRCh37 (hg19) VCF-style: chr15-48752477-G-T.
Other names: c.5262C>A, p.Gly1754= (NM_001406716.1).
Identifiers: ClinVar variation 3074331 (VCV003074331.3), dbSNP rs2505485544, ClinGen allele CA490024130.